The following is an entry in ClinVar:

NC_000023.10:g.(?_31515047)_(31952105_?)del

Gene: DMD (dystrophin; minus strand). Cytogenetic location: Xp21.1.
Variant type: Deletion.
Identifiers: ClinVar variation 3243627 (VCV003243627.1).

ClinVar aggregate classification (germline): Pathogenic (1 of 4 stars; one submission).

Conditions:
Duchenne muscular dystrophy (DMD). Also called: MUSCULAR DYSTROPHY, PSEUDOHYPERTROPHIC PROGRESSIVE, DUCHENNE TYPE; Duchenne Muscular Dystrophy (DMD). Identifiers: Orphanet 98896, MedGen C0013264, MONDO:0010679, OMIM 310200.

Submission:

Labcorp Genetics (formerly Invitae), Labcorp
Classification: Pathogenic for Duchenne muscular dystrophy. Last evaluated: 2018-04-16. Review status: criteria provided, single submitter. Criteria: Invitae Variant Classification Sherloc (09022015). Collection method: clinical testing. Allele origin: unknown.
Comment: This variant is a gross deletion of the genomic region encompassing exons 46-56 and the first 15 nucleotides of exon 57 of the DMD gene, including the intron 56-exon 57 boundary (c.6615-1761_8405del). This is expected to create a premature translational stop signal and result in an absent or disrupted protein product. This variant has not been reported in the literature in individuals with DMD-related disease. Loss-of-function variants in DMD are known to be pathogenic (PMID: 16770791, 25007885). For these reasons, this variant has been classified as Pathogenic.

Literature cited by the submitters: PubMed 16770791; PubMed 25007885.